The following is an entry in ClinVar:

NM_203447.4(DOCK8):c.2779-2A>C

Gene: DOCK8 (dedicator of cytokinesis 8; plus strand). Cytogenetic location: 9p24.3.
Variant type: single nucleotide variant.
Coding change: c.2779-2A>C on transcript NM_203447.4 (MANE Select); the canonical splice acceptor site of the intron before coding-DNA position 2779, A replaced by C.
Molecular consequence: splice acceptor variant. On other transcripts: intron variant (1).
Genome position (GRCh38, 1-based): chr9:386,329, A>C. VCF-style: chr9-386329-A-C. GRCh37 (hg19) VCF-style: chr9-386329-A-C.
Other names: c.2575-2A>C (NM_001193536.2); c.2574+3644A>C (NM_001190458.2).
Identifiers: ClinVar variation 536604 (VCV000536604.8), dbSNP rs776399238, ClinGen allele CA4958349.

ClinVar aggregate classification (germline): Likely pathogenic. Review status: criteria provided, multiple submitters, no conflicts (2 of 4 stars). 2 submissions from 2 submitters: Likely pathogenic (2). Last evaluated 2024-06-19.

Conditions:
Combined immunodeficiency due to DOCK8 deficiency (HIES2). Also called: HIES autosomal recessive; HYPER-IgE RECURRENT INFECTION SYNDROME 2, AUTOSOMAL RECESSIVE; Hyper-IgE recurrent infection syndrome, autosomal recessive; HYPER-IgE SYNDROME 2, AUTOSOMAL RECESSIVE, WITH RECURRENT INFECTIONS; DOCK8 Deficiency. Identifiers: Orphanet 217390, MedGen C4722305, MONDO:0009478, OMIM 243700.

Allele frequency attached by ClinVar (database versions not stated): gnomAD exomes below 0.00001; ExAC 0.00001.
gnomAD v4.1: 2 of 1,613,284 alleles (0.00012%); highest among the groups gnomAD compares: Non-Finnish European, 0.00017%; no homozygotes.

Submissions (2):

Labcorp Genetics (formerly Invitae), Labcorp
Classification: Likely pathogenic for Combined immunodeficiency due to DOCK8 deficiency. Last evaluated: 2024-06-19. Review status: criteria provided, single submitter. Criteria: Invitae Variant Classification Sherloc (09022015). Collection method: clinical testing. Allele origin: germline.
Comment: This sequence change affects an acceptor splice site in intron 22 of the DOCK8 gene. It is expected to disrupt RNA splicing. Variants that disrupt the donor or acceptor splice site typically lead to a loss of protein function (PMID: 16199547), and loss-of-function variants in DOCK8 are known to be pathogenic (PMID: 14722525, 19776401). This variant is present in population databases (rs776399238, gnomAD 0.0009%). This variant has not been reported in the literature in individuals affected with DOCK8-related conditions. ClinVar contains an entry for this variant (Variation ID: 536604). Algorithms developed to predict the effect of sequence changes on RNA splicing suggest that this variant may disrupt the consensus splice site. In summary, the currently available evidence indicates that the variant is pathogenic, but additional data are needed to prove that conclusively. Therefore, this variant has been classified as Likely Pathogenic.

Department of Pathology and Laboratory Medicine, Sinai Health System
Classification: Likely pathogenic for Combined immunodeficiency due to DOCK8 deficiency. Last evaluated: 2022-11-21. Review status: criteria provided, single submitter. Criteria: ACMG Guidelines, 2015. Collection method: research. Allele origin: germline.

Literature cited by the submitters: PubMed 16199547 (cited by Labcorp Genetics (formerly Invitae), Labcorp); PubMed 14722525 (cited by Labcorp Genetics (formerly Invitae), Labcorp); PubMed 19776401 (cited by Labcorp Genetics (formerly Invitae), Labcorp).